The following is an entry in ClinVar:

ClinVar aggregate classification (germline): Benign (1 of 4 stars; one submission).

Allele frequency attached by ClinVar (database versions not stated): 1000 Genomes Project 30x 0.99329; 1000 Genomes Project 0.99401; TOPMed 0.99324; gnomAD 0.99363 and 0.99398.
gnomAD v4.1: 151,354 of 152,262 alleles (99%); highest among the groups gnomAD compares: East Asian, 100%; 75,229 homozygotes.

Submission:

GeneDx
Classification: Benign. Last evaluated: 2018-06-19. Review status: criteria provided, single submitter. Criteria: GeneDx Variant Classification (06012015). Collection method: clinical testing. Allele origin: germline. Affected: yes.
Comment: This variant is considered likely benign or benign based on one or more of the following criteria: it is a conservative change, it occurs at a poorly conserved position in the protein, it is predicted to be benign by multiple in silico algorithms, and/or has population frequency not consistent with disease.

NM_000399.3(EGR2):c.-528C>G

Genes: EGR2 (early growth response 2; minus strand), LOC130003908 (ATAC-STARR-seq lymphoblastoid silent region 2401; plus strand). Cytogenetic location: 10q21.3.
Variant type: single nucleotide variant.
Coding change: c.-528C>G on transcript NM_000399.3; 528 bases upstream of the start codon, C replaced by G.
Molecular consequence: intron variant (on NM_001136178.2).
Genome position (GRCh38, 1-based): chr10:62,816,557, G>C on the plus strand (C>G on the coding strand, the complement: EGR2 is on the minus strand). VCF-style: chr10-62816557-G-C. GRCh37 (hg19) VCF-style: chr10-64576317-G-C.
Other names: c.-40-488C>G (NM_001136178.2); c.100-588C>G (NM_001410931.1).
Identifiers: ClinVar variation 670506 (VCV000670506.3), dbSNP rs150902, ClinGen allele CA208353630.